The following is an entry in ClinVar:

ClinVar aggregate classification (germline): Uncertain significance (1 of 4 stars; one submission).

Conditions:
DiGeorge syndrome. Also called: Catch22; THIRD AND FOURTH PHARYNGEAL POUCH SYNDROME. Identifiers: Orphanet 567, MedGen C0012236, MONDO:0008564, OMIM 188400.

Submission:

Labcorp Genetics (formerly Invitae), Labcorp
Classification: Uncertain significance for DiGeorge syndrome. Last evaluated: 2022-07-19. Review status: criteria provided, single submitter. Criteria: Invitae Variant Classification Sherloc (09022015). Collection method: clinical testing. Allele origin: germline.
Comment: In summary, the available evidence is currently insufficient to determine the role of this variant in disease. Therefore, it has been classified as a Variant of Uncertain Significance. Algorithms developed to predict the effect of sequence changes on RNA splicing suggest that this variant may create or strengthen a splice site. This variant has not been reported in the literature in individuals affected with TBX1-related conditions. This variant is not present in population databases (gnomAD no frequency). This sequence change falls in intron 3 of the TBX1 gene. It does not directly change the encoded amino acid sequence of the TBX1 protein.

NM_001379200.1(TBX1):c.438-14C>G

Gene: TBX1 (T-box transcription factor 1; plus strand). Cytogenetic location: 22q11.21.
Variant type: single nucleotide variant.
Coding change: c.438-14C>G on transcript NM_001379200.1 (MANE Select); 14 bases into the intron before coding-DNA position 438, C replaced by G.
Molecular consequence: intron variant.
Genome position (GRCh38, 1-based): chr22:19,763,227, C>G. VCF-style: chr22-19763227-C-G. GRCh37 (hg19) VCF-style: chr22-19750750-C-G.
Other names: c.411-14C>G (NM_005992.1, NM_080646.2, NM_080647.1).
Identifiers: ClinVar variation 2016618 (VCV002016618.4), dbSNP rs2517847484, ClinGen allele CA2580099119.